The following is an entry in ClinVar:

NM_032888.4(COL27A1):c.7G>A (p.Ala3Thr)

Gene: COL27A1 (collagen type XXVII alpha 1 chain; plus strand). Cytogenetic location: 9q32.
Variant type: single nucleotide variant.
Coding change: c.7G>A on transcript NM_032888.4 (MANE Select); coding-DNA position 7, G replaced by A.
Protein change: p.Ala3Thr; replaces alanine 3 with threonine.
Molecular consequence: missense variant.
Genome position (GRCh38, 1-based): chr9:114,155,957, G>A. VCF-style: chr9-114155957-G-A. GRCh37 (hg19) VCF-style: chr9-116918237-G-A.
Other names: c.7G>A (NM_032888.2); short protein forms A3T.
Identifiers: ClinVar variation 2149285 (VCV002149285.5), dbSNP rs538968859, ClinGen allele CA5200965.

ClinVar aggregate classification (germline): Uncertain significance. Review status: criteria provided, multiple submitters, no conflicts (2 of 4 stars). 2 submissions from 2 submitters: Uncertain significance (2). Last evaluated 2025-05-26.

Conditions:
Inborn genetic diseases. Identifiers: MedGen C0950123, MeSH D030342.

Allele frequency attached by ClinVar (database versions not stated): ExAC 0.00016; gnomAD 0.00016; 1000 Genomes Project 0.00020; gnomAD exomes 0.00014; 1000 Genomes Project 30x 0.00062; TOPMed 0.00012.
gnomAD v4.1: 175 of 1,278,812 alleles (0.014%); highest among the groups gnomAD compares: Admixed American, 0.03%; no homozygotes.

Submissions (2):

Ambry Genetics
Classification: Uncertain significance for Inborn genetic diseases. Last evaluated: 2025-05-26. Review status: criteria provided, single submitter. Criteria: Ambry Variant Classification Scheme 2023. Collection method: clinical testing. Allele origin: germline.

Labcorp Genetics (formerly Invitae), Labcorp
Classification: Uncertain significance. Last evaluated: 2024-08-12. Review status: criteria provided, single submitter. Criteria: Invitae Variant Classification Sherloc (09022015). Collection method: clinical testing. Allele origin: germline.
Comment: This sequence change replaces alanine, which is neutral and non-polar, with threonine, which is neutral and polar, at codon 3 of the COL27A1 protein (p.Ala3Thr). This variant is present in population databases (rs538968859, gnomAD 0.01%). This variant has not been reported in the literature in individuals affected with COL27A1-related conditions. ClinVar contains an entry for this variant (Variation ID: 2149285). Advanced modeling of protein sequence and biophysical properties (such as structural, functional, and spatial information, amino acid conservation, physicochemical variation, residue mobility, and thermodynamic stability) performed at Invitae indicates that this missense variant is not expected to disrupt COL27A1 protein function with a negative predictive value of 95%. In summary, the available evidence is currently insufficient to determine the role of this variant in disease. Therefore, it has been classified as a Variant of Uncertain Significance.